The following is an entry in ClinVar:

NM_004006.3(DMD):c.5383G>T (p.Glu1795Ter)

Gene: DMD (dystrophin; minus strand). Cytogenetic location: Xp21.1.
Variant type: single nucleotide variant.
Coding change: c.5383G>T on transcript NM_004006.3 (MANE Select); coding-DNA position 5383, G replaced by T.
Protein change: p.Glu1795Ter; replaces glutamic acid 1795 with a stop codon.
Molecular consequence: nonsense.
Genome position (GRCh38, 1-based): chrX:32,348,471, C>A on the plus strand (G>T on the coding strand, the complement: DMD is on the minus strand). VCF-style: chrX-32348471-C-A. GRCh37 (hg19) VCF-style: chrX-32366588-C-A.
Other names: c.5359G>T, p.Glu1787Ter (NM_000109.4); c.5371G>T, p.Glu1791Ter (NM_004009.3); c.5014G>T, p.Glu1672Ter (NM_004010.3); c.1360G>T, p.Glu454Ter (NM_004011.4); c.1351G>T, p.Glu451Ter (NM_004012.4); short protein forms E1672*, E1787*, E1791*, E1795*, E451*, E454*.
Identifiers: ClinVar variation 983657 (VCV000983657.10), dbSNP rs79541196, ClinGen allele CA412667900.

ClinVar aggregate classification (germline): Pathogenic/Likely pathogenic. Review status: criteria provided, multiple submitters, no conflicts (2 of 4 stars). 2 submissions from 2 submitters: Pathogenic (1); Likely pathogenic (1). Last evaluated 2022-03-22.

Conditions:
Duchenne muscular dystrophy (DMD). Also called: MUSCULAR DYSTROPHY, PSEUDOHYPERTROPHIC PROGRESSIVE, DUCHENNE TYPE; Duchenne Muscular Dystrophy (DMD). Identifiers: Orphanet 98896, MedGen C0013264, MONDO:0010679, OMIM 310200.
Progressive muscular dystrophy. Identifiers: Orphanet 206644, MedGen C4551827, MONDO:0016106.

Submissions (2):

Labcorp Genetics (formerly Invitae), Labcorp
Classification: Pathogenic for Duchenne muscular dystrophy. Last evaluated: 2022-03-22. Review status: criteria provided, single submitter. Criteria: Invitae Variant Classification Sherloc (09022015). Collection method: clinical testing. Allele origin: germline.
Comment: This sequence change creates a premature translational stop signal (p.Glu1795*) in the DMD gene. It is expected to result in an absent or disrupted protein product. Loss-of-function variants in DMD are known to be pathogenic (PMID: 16770791, 25007885). This variant is not present in population databases (gnomAD no frequency). For these reasons, this variant has been classified as Pathogenic. ClinVar contains an entry for this variant (Variation ID: 983657). This variant has not been reported in the literature in individuals affected with DMD-related conditions.

Myriad Genetics, Inc.
Classification: Likely pathogenic for Progressive muscular dystrophy. Last evaluated: 2019-03-31. Review status: criteria provided, single submitter. Criteria: Myriad Autosomal Dominant, Autosomal Recessive and X-Linked Classification Criteria (2023). Collection method: clinical testing. Allele origin: unknown.
Comment: NM_004006.2(DMD):c.5383G>T(E1795*) is expected to be pathogenic in the context of dystrophinopathy (including Duchenne/Becker muscular dystrophy). This variant is predicted to lead to an abnormal or absent protein product due to the creation of a premature termination codon in DMD, a gene where loss-of-function variants are known to be pathogenic. Please note: this variant was assessed in the context of healthy population screening.

Literature cited by the submitters: PubMed 16770791 (cited by Labcorp Genetics (formerly Invitae), Labcorp); PubMed 25007885 (cited by Labcorp Genetics (formerly Invitae), Labcorp).